The following is an entry in ClinVar:

NM_024665.7(TBL1XR1):c.444G>T (p.Met148Ile)

Gene: TBL1XR1 (TBL1X/Y related 1; minus strand). Cytogenetic location: 3q26.32.
Variant type: single nucleotide variant.
Coding change: c.444G>T on transcript NM_024665.7 (MANE Select); coding-DNA position 444, G replaced by T.
Protein change: p.Met148Ile; replaces methionine 148 with isoleucine.
Molecular consequence: missense variant.
Genome position (GRCh38, 1-based): chr3:177,050,594, C>A on the plus strand (G>T on the coding strand, the complement: TBL1XR1 is on the minus strand). VCF-style: chr3-177050594-C-A. GRCh37 (hg19) VCF-style: chr3-176768382-C-A.
Other names: c.444G>T, p.Met148Ile (NM_001321193.3, NM_001321194.3, NM_001374327.1 and 2 more transcripts); c.183G>T, p.Met61Ile (NM_001321195.3, NM_001374330.1); short protein forms M148I, M61I.
Identifiers: ClinVar variation 3635805 (VCV003635805.2).
Genomic context (GRCh38, chr3:177,050,594, plus strand): 5'-ATGGCCCCGCAACACAACAGCTTTATTAGGAGGGATTTCAACATCCCCATCCACTTCCAT[C>A]ATATCAGTATGATTATCTGCATCGTGAAACACAAGTAAGCATTTCCAGTTAGGCAGTATT-3'
Protein context (NP_078941.2, residues 138-158): AHTIANNHTD[Met148Ile]MEVDGDVEIP

ClinVar aggregate classification (germline): Uncertain significance (1 of 4 stars; one submission).

Conditions:
Pierpont syndrome (PRPTS). Identifiers: Orphanet 487825, MedGen C1865644, MONDO:0011213, OMIM 602342.

Submission:

Labcorp Genetics (formerly Invitae), Labcorp
Classification: Uncertain significance for Pierpont syndrome. Last evaluated: 2024-06-09. Review status: criteria provided, single submitter. Criteria: Invitae Variant Classification Sherloc (09022015). Collection method: clinical testing. Allele origin: germline.
Comment: This sequence change replaces methionine, which is neutral and non-polar, with isoleucine, which is neutral and non-polar, at codon 148 of the TBL1XR1 protein (p.Met148Ile). This variant is not present in population databases (gnomAD no frequency). This variant has not been reported in the literature in individuals affected with TBL1XR1-related conditions. Advanced modeling of protein sequence and biophysical properties (such as structural, functional, and spatial information, amino acid conservation, physicochemical variation, residue mobility, and thermodynamic stability) performed at Invitae indicates that this missense variant is not expected to disrupt TBL1XR1 protein function with a negative predictive value of 95%. In summary, the available evidence is currently insufficient to determine the role of this variant in disease. Therefore, it has been classified as a Variant of Uncertain Significance.